The following is an entry in ClinVar:

NM_014762.4(DHCR24):c.78G>C (p.Val26=)

Gene: DHCR24 (24-dehydrocholesterol reductase; minus strand). Cytogenetic location: 1p32.3.
Variant type: single nucleotide variant.
Coding change: c.78G>C on transcript NM_014762.4 (MANE Select); coding-DNA position 78, G replaced by C.
Protein change: p.Val26=; no amino-acid change (valine 26 retained).
Molecular consequence: synonymous variant.
Genome position (GRCh38, 1-based): chr1:54,887,042, C>G on the plus strand (G>C on the coding strand, the complement: DHCR24 is on the minus strand). VCF-style: chr1-54887042-C-G. GRCh37 (hg19) VCF-style: chr1-55352715-C-G.
Identifiers: ClinVar variation 3356161 (VCV003356161.3).
Genomic context (GRCh38, chr1:54,887,042, plus strand): 5'-GAAGATAAGCGAGAGCGGCAGGAGGAAGAGGCACACGAACACCCAGCGCTGGTGGATGAG[C>G]ACGAACTCCAGCCCCTTCAGGCGCACCCACAGCAGGAAGAGCAGCGCGCACACGGCCAGC-3'
Protein context (NP_055577.1, residues 16-36): LWVRLKGLEF[Val26=]LIHQRWVFVC

ClinVar aggregate classification (germline): Likely benign. Review status: criteria provided, single submitter (1 of 4 stars). 2 submissions from 2 submitters: Likely benign (1). 1 of the submissions does not count toward it. Last evaluated 2025-02-06.

Conditions:
DHCR24-related disorder. Also called: DHCR24-related condition.

gnomAD v4.1: 46 of 1,612,636 alleles (0.0029%); highest among the groups gnomAD compares: South Asian, 0.046%; no homozygotes.

Submissions (2):

Labcorp Genetics (formerly Invitae), Labcorp
Classification: Likely benign. Last evaluated: 2025-02-06. Review status: criteria provided, single submitter. Criteria: Invitae Variant Classification Sherloc (09022015). Collection method: clinical testing. Allele origin: germline.

PreventionGenetics, part of Exact Sciences
Classification: Likely benign for DHCR24-related condition. Last evaluated: 2019-04-16. Review status: no assertion criteria provided. Collection method: clinical testing. Allele origin: germline. Not counted in ClinVar's aggregate classification.
Comment: This variant is classified as likely benign based on ACMG/AMP sequence variant interpretation guidelines (Richards et al. 2015 PMID: 25741868, with internal and published modifications).